The following is an entry in ClinVar:

ClinVar aggregate classification (germline): Uncertain significance (1 of 4 stars; one submission).

Conditions:
Cardiovascular phenotype. Identifiers: MedGen CN230736.

Submission:

Ambry Genetics
Classification: Uncertain significance for Cardiovascular phenotype. Last evaluated: 2026-04-12. Review status: criteria provided, single submitter. Criteria: Ambry Variant Classification Scheme 2023. Collection method: clinical testing. Allele origin: germline.
Comment: The p.D477N variant (also known as c.1429G>A), located in coding exon 12 of the PTPN11 gene, results from a G to A substitution at nucleotide position 1429. The aspartic acid at codon 477 is replaced by asparagine, an amino acid with highly similar properties. This amino acid position is conserved. In addition, this alteration is predicted to be tolerated by in silico analysis. Based on the available evidence, the clinical significance of this variant remains unclear.

NM_002834.5(PTPN11):c.1429G>A (p.Asp477Asn)

Gene: PTPN11 (protein tyrosine phosphatase non-receptor type 11; plus strand). Cytogenetic location: 12q24.13.
Variant type: single nucleotide variant.
Coding change: c.1429G>A on transcript NM_002834.5 (MANE Select); coding-DNA position 1429, G replaced by A.
Protein change: p.Asp477Asn; replaces aspartic acid 477 with asparagine.
Molecular consequence: missense variant.
Genome position (GRCh38, 1-based): chr12:112,488,492, G>A. VCF-style: chr12-112488492-G-A. GRCh37 (hg19) VCF-style: chr12-112926296-G-A.
Other names: c.1441G>A, p.Asp481Asn (NM_001330437.2); c.1426G>A, p.Asp476Asn (NM_001374625.1); short protein forms D476N, D477N, D481N.
Identifiers: ClinVar variation 4862761 (VCV004862761.1).